The following is an entry in ClinVar:

NM_005739.4(RASGRP1):c.1097A>G (p.Tyr366Cys)

Gene: RASGRP1 (RAS guanyl releasing protein 1; minus strand). Cytogenetic location: 15q14.
Variant type: single nucleotide variant.
Coding change: c.1097A>G on transcript NM_005739.4 (MANE Select); coding-DNA position 1097, A replaced by G.
Protein change: p.Tyr366Cys; replaces tyrosine 366 with cysteine.
Molecular consequence: missense variant.
Genome position (GRCh38, 1-based): chr15:38,507,871, T>C on the plus strand (A>G on the coding strand, the complement: RASGRP1 is on the minus strand). VCF-style: chr15-38507871-T-C. GRCh37 (hg19) VCF-style: chr15-38800072-T-C.
Other names: c.1097A>G, p.Tyr366Cys (NM_001128602.2, NM_001306086.2); short protein forms Y366C.
Identifiers: ClinVar variation 2184859 (VCV002184859.1), dbSNP rs376682602, ClinGen allele CA7470963.
Genomic context (GRCh38, chr15:38,507,871, plus strand): 5'-AGGGCCAGTAGCTTATGGACGTTCACTTTCCCGTCCTCCAGATAGTCAGGCATGGCTTCA[T>C]ACAGGGAGATGAGGTCCTTGAGATGCACACCCAGAATGGGGATCTTGAAGTCGGTGCACT-3'
Protein context (NP_005730.2, residues 356-376): GVHLKDLISL[Tyr366Cys]EAMPDYLEDG

ClinVar aggregate classification (germline): Uncertain significance (1 of 4 stars; one submission).

Allele frequency attached by ClinVar (database versions not stated): gnomAD 0.00001; ExAC 0.00002; TOPMed 0.00002; ESP Exome Variant Server 0.00008.
gnomAD v4.1: 27 of 1,613,694 alleles (0.0017%); highest among the groups gnomAD compares: Non-Finnish European, 0.0023%; no homozygotes.

Submission:

Labcorp Genetics (formerly Invitae), Labcorp
Classification: Uncertain significance. Last evaluated: 2022-07-11. Review status: criteria provided, single submitter. Criteria: Invitae Variant Classification Sherloc (09022015). Collection method: clinical testing. Allele origin: germline.
Comment: This sequence change replaces tyrosine, which is neutral and polar, with cysteine, which is neutral and slightly polar, at codon 366 of the RASGRP1 protein (p.Tyr366Cys). The frequency data for this variant in the population databases is considered unreliable, as metrics indicate poor data quality at this position in the gnomAD database. This variant has not been reported in the literature in individuals affected with RASGRP1-related conditions. Algorithms developed to predict the effect of missense changes on protein structure and function are either unavailable or do not agree on the potential impact of this missense change (SIFT: "Tolerated"; PolyPhen-2: "Possibly Damaging"; Align-GVGD: "Class C15"). In summary, the available evidence is currently insufficient to determine the role of this variant in disease. Therefore, it has been classified as a Variant of Uncertain Significance.